The following is an entry in ClinVar:

ClinVar aggregate classification (germline): Pathogenic (1 of 4 stars; one submission).

Conditions:
Familial cancer of breast. Also called: hereditary breast carcinoma; Hereditary breast cancer; BREAST CANCER, FAMILIAL. Identifiers: Orphanet 227535, MedGen C0346153, MONDO:0016419, OMIM 114480. Disease mechanism: loss of function.

Submission:

KCCC/NGS Laboratory, Kuwait Cancer Control Center
Classification: Pathogenic for Familial cancer of breast. Last evaluated: 2023-07-04. Review status: criteria provided, single submitter. Criteria: ACMG Guidelines, 2015. Collection method: clinical testing. Allele origin: germline. Inheritance: Autosomal dominant inheritance. Affected: no.
Comment: A heterozygous copy number loss that affects almost entire SDHA gene was detected in this specimen. A copy number loss variant affecting exons 1 to 9 of the SDHA gene has been reported and described as disease-causing for cancer (PMID 30068732). This variant has been classified as pathogenic. Heterozygous pathogenic/likely pathogenic mutations in the SDHA gene are known to cause Hereditary Paraganglioma-Pheochromocytoma Syndrome (OMIM# 614165), and Neurodegeneration with ataxia and late-onset optic atrophy (OMIM# 619259). Homozygous or compound heterozygous pathogenic/likely pathogenic mutations in the SDHA gene are known to cause Mitochondrial complex II deficiency (OMIM# 252011), and Dilated Cardiomyopathy (OMIM# 613642).

NM_004168.3:g.(?_218403)_(256583_?)del

Gene: SDHA (succinate dehydrogenase complex flavoprotein subunit A; plus strand).
Variant type: Deletion.
Identifiers: ClinVar variation 2507399 (VCV002507399.2).